The following is an entry in ClinVar:

NM_182961.4(SYNE1):c.8063G>A (p.Gly2688Glu)

Gene: SYNE1 (spectrin repeat containing nuclear envelope protein 1; minus strand). Cytogenetic location: 6q25.2.
Variant type: single nucleotide variant.
Coding change: c.8063G>A on transcript NM_182961.4 (MANE Select); coding-DNA position 8063, G replaced by A.
Protein change: p.Gly2688Glu; replaces glycine 2688 with glutamic acid.
Molecular consequence: missense variant.
Genome position (GRCh38, 1-based): chr6:152,390,394, C>T on the plus strand (G>A on the coding strand, the complement: SYNE1 is on the minus strand). VCF-style: chr6-152390394-C-T. GRCh37 (hg19) VCF-style: chr6-152711529-C-T.
Other names: c.8084G>A, p.Gly2695Glu (NM_033071.5); short protein forms G2688E, G2695E.
Identifiers: ClinVar variation 1717243 (VCV001717243.5), dbSNP rs776450866, ClinGen allele CA4057625.

ClinVar aggregate classification (germline): Uncertain significance (1 of 4 stars; one submission).

Conditions:
Emery-Dreifuss muscular dystrophy 4, autosomal dominant (EDMD4). Also called: EMERY-DREIFUSS MUSCULAR DYSTROPHY 4 WITH VARIABLE FEATURES. Identifiers: Orphanet 261, MedGen C2751807, MONDO:0013071, OMIM 612998.
Autosomal recessive ataxia, Beauce type. Also called: SYNE1-Related Autosomal Recessive Cerebellar Ataxia; SYNE1 Deficiency; Spinocerebellar ataxia, autosomal recessive 8; ATAXIA, RECESSIVE, OF BEAUCE. Identifiers: Orphanet 88644, MedGen C1853116, MONDO:0012549, OMIM 610743.

Allele frequency attached by ClinVar (database versions not stated): gnomAD exomes below 0.00001; ExAC 0.00001; TOPMed 0.00001.
gnomAD v4.1: 2 of 1,614,126 alleles (0.00012%); highest among the groups gnomAD compares: African/African-American, 0.0027%; no homozygotes.

Submission:

Labcorp Genetics (formerly Invitae), Labcorp
Classification: Uncertain significance for Emery-Dreifuss muscular dystrophy 4, autosomal dominant; Autosomal recessive ataxia, Beauce type. Last evaluated: 2022-08-21. Review status: criteria provided, single submitter. Criteria: Invitae Variant Classification Sherloc (09022015). Collection method: clinical testing. Allele origin: germline.
Comment: This variant has not been reported in the literature in individuals affected with SYNE1-related conditions. In summary, the available evidence is currently insufficient to determine the role of this variant in disease. Therefore, it has been classified as a Variant of Uncertain Significance. Algorithms developed to predict the effect of missense changes on protein structure and function (SIFT, PolyPhen-2, Align-GVGD) all suggest that this variant is likely to be disruptive. This variant is present in population databases (rs776450866, gnomAD 0.01%). This sequence change replaces glycine, which is neutral and non-polar, with glutamic acid, which is acidic and polar, at codon 2695 of the SYNE1 protein (p.Gly2695Glu).